The following is an entry in ClinVar:

NM_207361.6(FREM2):c.626del (p.Phe209fs)

Gene: FREM2 (FRAS1 related extracellular matrix 2; plus strand). Cytogenetic location: 13q13.3.
Variant type: Deletion.
Coding change: c.626del on transcript NM_207361.6 (MANE Select); coding-DNA position 626, one base deleted (T; older notation c.626delT).
Protein change: p.Phe209fs; shifts the reading frame from phenylalanine 209.
Molecular consequence: frameshift variant.
Genome position (GRCh38, 1-based): chr13:38,687,970, T deleted; the last of 2 consecutive T bases (chr13:38,687,969-38,687,970); deleting either gives the same sequence. VCF-style (leftmost placement, unchanged base first): chr13-38687968-CT-C. GRCh37 (hg19) VCF-style: chr13-39262105-CT-C.
Other names: short protein forms F209fs.
Identifiers: ClinVar variation 4728017 (VCV004728017.1).
Genomic context (GRCh38, chr13:38,687,968, plus strand): 5'-GGTCGTGGAAGAGCTGCTGGGGACCAGCAATGCCCTGGACGCGCGGAGCCTGGAGTTCGC[CT>C]TCCAGCCCGAGACAGAGGAGTGCCGCGTGGGCATCCTGTCCGGCTTGGGCGCGCTGCCTC-3'

ClinVar aggregate classification (germline): Pathogenic (1 of 4 stars; one submission).

Submission:

Labcorp Genetics (formerly Invitae), Labcorp
Classification: Pathogenic. Last evaluated: 2026-01-27. Review status: criteria provided, single submitter. Criteria: Invitae Variant Classification Sherloc (09022015). Collection method: clinical testing. Allele origin: germline.
Comment: This sequence change creates a premature translational stop signal (p.Phe209Serfs*45) in the FREM2 gene. It is expected to result in an absent or disrupted protein product. Loss-of-function variants in FREM2 are known to be pathogenic (PMID: 18203166, 26552811). This variant is not present in population databases (gnomAD no frequency). This variant has not been reported in the literature in individuals affected with FREM2-related conditions. For these reasons, this variant has been classified as Pathogenic.

Literature cited by the submitters: PubMed 18203166; PubMed 26552811.